The following is an entry in ClinVar:

NM_001386135.1(AFF3):c.-144-348A>G

Gene: AFF3 (ALF transcription elongation factor 3; minus strand). Cytogenetic location: 2q11.2.
Variant type: single nucleotide variant.
Coding change: c.-144-348A>G on transcript NM_001386135.1 (MANE Select); 348 bases into the intron before 144 bases upstream of the start codon, A replaced by G.
Molecular consequence: intron variant.
Genome position (GRCh38, 1-based): chr2:100,105,931, T>C on the plus strand (A>G on the coding strand, the complement: AFF3 is on the minus strand). VCF-style: chr2-100105931-T-C. GRCh37 (hg19) VCF-style: chr2-100722393-T-C.
Other names: c.-144-348A>G (NM_002285.3).
Identifiers: ClinVar variation 2498828 (VCV002498828.27), dbSNP rs187611073, ClinGen allele CA1801668.

ClinVar aggregate classification (germline): Likely benign (1 of 4 stars; one submission).

Allele frequency attached by ClinVar (database versions not stated): 1000 Genomes Project 30x 0.00109; 1000 Genomes Project 0.00120; ExAC 0.00188; gnomAD 0.00188; TOPMed 0.00215; gnomAD exomes 0.00274.
gnomAD v4.1: 3,535 of 1,329,278 alleles (0.27%); highest among the groups gnomAD compares: Non-Finnish European, 0.3%; 9 homozygotes.

Submission:

CeGaT Center for Human Genetics Tuebingen
Classification: Likely benign. Last evaluated: 2023-03-01. Review status: criteria provided, single submitter. Criteria: CeGaT Center For Human Genetics Tuebingen Variant Classification Criteria Version 2. Collection method: clinical testing. Allele origin: germline. Affected: yes. Observed: 2 variant alleles.
Comment: AFF3: BS2; ENSG00000230393: BS2